The following is an entry in ClinVar:

NM_012418.4(FSCN2):c.1387G>A (p.Ala463Thr)

Gene: FSCN2 (fascin actin-bundling protein 2, retinal; plus strand). Cytogenetic location: 17q25.3.
Variant type: single nucleotide variant.
Coding change: c.1387G>A on transcript NM_012418.4 (MANE Select); coding-DNA position 1387, G replaced by A.
Protein change: p.Ala463Thr; replaces alanine 463 with threonine.
Molecular consequence: missense variant.
Genome position (GRCh38, 1-based): chr17:81,536,988, G>A. VCF-style: chr17-81536988-G-A. GRCh37 (hg19) VCF-style: chr17-79504014-G-A.
Other names: c.1459G>A, p.Ala487Thr (NM_001077182.3); short protein forms A463T, A487T.
Identifiers: ClinVar variation 2821345 (VCV002821345.3), dbSNP rs1230878675, ClinGen allele CA401478823.

ClinVar aggregate classification (germline): Uncertain significance (1 of 4 stars; one submission).

Submission:

Labcorp Genetics (formerly Invitae), Labcorp
Classification: Uncertain significance. Last evaluated: 2022-12-16. Review status: criteria provided, single submitter. Criteria: Invitae Variant Classification Sherloc (09022015). Collection method: clinical testing. Allele origin: germline.
Comment: This variant is not present in population databases (gnomAD no frequency). This variant has not been reported in the literature in individuals affected with FSCN2-related conditions. Algorithms developed to predict the effect of missense changes on protein structure and function output the following: SIFT: "Deleterious"; PolyPhen-2: "Benign"; Align-GVGD: "Class C0". The threonine amino acid residue is found in multiple mammalian species, which suggests that this missense change does not adversely affect protein function. In summary, the available evidence is currently insufficient to determine the role of this variant in disease. Therefore, it has been classified as a Variant of Uncertain Significance. This sequence change replaces alanine, which is neutral and non-polar, with threonine, which is neutral and polar, at codon 487 of the FSCN2 protein (p.Ala487Thr).